The following is an entry in ClinVar:

ClinVar aggregate classification (germline): Uncertain significance (1 of 4 stars; one submission).

Submission:

Women's Health and Genetics/Laboratory Corporation of America, LabCorp
Classification: Uncertain significance. Last evaluated: 2024-08-19. Review status: criteria provided, single submitter. Criteria: LabCorp Variant Classification Summary - May 2015. Collection method: clinical testing. Allele origin: germline.
Comment: Variant summary: CRTAP c.1197_1198ins19 (p.Thr400GlufsX5) causes a frameshift which results in an extension of the protein. The variant was absent in 251444 control chromosomes. The available data on variant occurrences in the general population are insufficient to allow any conclusion about variant significance. To our knowledge, no occurrence of c.1197_1198ins19 in individuals affected with Osteogenesis Imperfecta and no experimental evidence demonstrating its impact on protein function have been reported. No submitters have cited clinical-significance assessments for this variant to ClinVar. Based on the evidence outlined above, the variant was classified as uncertain significance.

NM_006371.5(CRTAP):c.1192_1197GAG[3]ACCAAGCTGTGAGGAG[1] (p.Thr400delinsGluThrLysLeuTer)

Gene: CRTAP (cartilage associated protein; plus strand). Cytogenetic location: 3p22.3.
Variant type: Microsatellite.
Coding change: c.1192_1197GAG[3]ACCAAGCTGTGAGGAG[1] on transcript NM_006371.5 (MANE Select).
Protein change: p.Thr400delinsGluThrLysLeuTer.
Molecular consequence: nonsense.
Genome position: GRCh38 VCF-style: chr3-33142433-G-GGAGGAGGAGACCAAGCTGT. GRCh37 (hg19) VCF-style: chr3-33183925-G-GGAGGAGGAGACCAAGCTGT.
Other names: c.1108_1113GAG[3]ACCAAGCTGTGAGGAG[1], p.Thr372delinsGluThrLysLeuTer (NM_001393363.1); c.1063_1068GAG[3]ACCAAGCTGTGAGGAG[1], p.Thr357delinsGluThrLysLeuTer (NM_001393364.1); c.1042_1047GAG[3]ACCAAGCTGTGAGGAG[1], p.Thr350delinsGluThrLysLeuTer (NM_001393365.1); c.1197_1198insGAGACCAAGCTGTGAGGAG (NM_006371.5).
Identifiers: ClinVar variation 3366722 (VCV003366722.1).